The following is an entry in ClinVar:

NM_000051.4(ATM):c.8934T>C (p.Thr2978=)

Genes: C11orf65 (chromosome 11 open reading frame 65; minus strand), ATM (ATM serine/threonine kinase; plus strand). Cytogenetic location: 11q22.3.
Variant type: single nucleotide variant.
Coding change: c.8934T>C on transcript NM_000051.4 (MANE Select); coding-DNA position 8934, T replaced by C.
Protein change: p.Thr2978=; no amino-acid change (threonine 2978 retained).
Molecular consequence: synonymous variant. On other transcripts: intron variant (2).
Genome position (GRCh38, 1-based): chr11:108,365,165, T>C. VCF-style: chr11-108365165-T-C. GRCh37 (hg19) VCF-style: chr11-108235892-T-C.
Other names: c.8934T>C, p.Thr2978= (NM_001351834.2); c.640+20755A>G (NM_001330368.2); c.694+20755A>G (NM_001351110.2).
Identifiers: ClinVar variation 381362 (VCV000381362.17), dbSNP rs1057521029, ClinGen allele CA16606859.

ClinVar aggregate classification (germline): Benign/Likely benign. Review status: criteria provided, multiple submitters, no conflicts (2 of 4 stars). 5 submissions from 5 submitters: Benign (1); Likely benign (4). Last evaluated 2024-06-24.

Conditions:
Hereditary cancer-predisposing syndrome. Also called: Neoplastic Syndromes, Hereditary; Hereditary neoplastic syndrome; Hereditary Cancer Syndrome; Tumor predisposition. Identifiers: Orphanet 140162, MedGen C0027672, MeSH D009386, MONDO:0015356.
Ataxia-telangiectasia syndrome (AT). Also called: Ataxia-telangiectasia, complementation group D; Ataxia-telangiectasia, complementation group E; LOUIS-BAR SYNDROME; AT, COMPLEMENTATION GROUP C; ATAXIA-TELANGIECTASIA, COMPLEMENTATION GROUP A; ATAXIA-TELANGIECTASIA, FRESNO VARIANT. Identifiers: Orphanet 100, MedGen C0004135, MONDO:0008840, OMIM 208900.
Familial cancer of breast. Also called: hereditary breast carcinoma; Hereditary breast cancer; BREAST CANCER, FAMILIAL. Identifiers: Orphanet 227535, MedGen C0346153, MONDO:0016419, OMIM 114480. Disease mechanism: loss of function.

Allele frequency attached by ClinVar (database versions not stated): gnomAD exomes below 0.00001; TOPMed below 0.00001.
gnomAD v4.1: 1 of 1,614,256 alleles (0.000062%); highest among the groups gnomAD compares: African/African-American, 0.0013%; no homozygotes.

Submissions (5):

Myriad Genetics, Inc.
Classification: Benign for Familial cancer of breast. Last evaluated: 2024-06-24. Review status: criteria provided, single submitter. Criteria: Myriad Autosomal Dominant, Autosomal Recessive and X-Linked Classification Criteria (2023). Collection method: clinical testing. Allele origin: unknown.
Comment: This variant is considered benign. This variant is a silent/synonymous amino acid change and it is not expected to impact splicing.

Labcorp Genetics (formerly Invitae), Labcorp
Classification: Likely benign for Ataxia-telangiectasia syndrome. Last evaluated: 2023-07-31. Review status: criteria provided, single submitter. Criteria: Invitae Variant Classification Sherloc (09022015). Collection method: clinical testing. Allele origin: germline.

Color Diagnostics, LLC DBA Color Health
Classification: Likely benign for Hereditary cancer-predisposing syndrome. Last evaluated: 2018-07-09. Review status: criteria provided, single submitter. Criteria: ACMG Guidelines, 2015. Collection method: clinical testing. Allele origin: germline.

Ambry Genetics
Classification: Likely benign for Hereditary cancer-predisposing syndrome. Last evaluated: 2018-02-25. Review status: criteria provided, single submitter. Criteria: Ambry Variant Classification Scheme 2023. Collection method: clinical testing. Allele origin: germline.

GeneDx
Classification: Likely benign. Last evaluated: 2015-10-31. Review status: criteria provided, single submitter. Criteria: GeneDx Variant Classification (06012015). Collection method: clinical testing. Allele origin: germline. Affected: yes.
Comment: This variant is considered likely benign or benign based on one or more of the following criteria: it is a conservative change, it occurs at a poorly conserved position in the protein, it is predicted to be benign by multiple in silico algorithms, and/or has population frequency not consistent with disease.